The following is an entry in ClinVar:

NM_000545.8(HNF1A):c.-5G>A

Gene: HNF1A (HNF1 homeobox A; plus strand). Cytogenetic location: 12q24.31.
Variant type: single nucleotide variant.
Coding change: c.-5G>A on transcript NM_000545.8 (MANE Select); 5 bases upstream of the start codon, G replaced by A.
Molecular consequence: 5 prime UTR variant.
Genome position (GRCh38, 1-based): chr12:120,978,764, G>A. VCF-style: chr12-120978764-G-A. GRCh37 (hg19) VCF-style: chr12-121416567-G-A.
Other names: c.-5G>A (NM_001306179.2).
Identifiers: ClinVar variation 447495 (VCV000447495.6), dbSNP rs370979090, ClinGen allele CA6831649.

ClinVar aggregate classification (germline): Uncertain significance. Review status: criteria provided, multiple submitters, no conflicts (2 of 4 stars). 3 submissions from 3 submitters: Uncertain significance (3). Last evaluated 2019-11-14.

Conditions:
Maturity-onset diabetes of the young (MODY). Also called: Maturity onset diabetes mellitus in young. Identifiers: Orphanet 552, MedGen C0342276, MONDO:0018911, HP:0004904.

Allele frequency attached by ClinVar (database versions not stated): gnomAD exomes 0.00007; ExAC 0.00008; ESP Exome Variant Server 0.00008; gnomAD 0.00036 and 0.00038; TOPMed 0.00036; 1000 Genomes Project 0.00060; 1000 Genomes Project 30x 0.00094.
gnomAD v4.1: 95 of 1,612,626 alleles (0.0059%); highest among the groups gnomAD compares: African/African-American, 0.11%; 1 homozygote.

Submissions (3):

Genetic Services Laboratory, University of Chicago
Classification: Uncertain significance. Last evaluated: 2019-11-14. Review status: criteria provided, single submitter. Criteria: ACMG Guidelines, 2015. Collection method: clinical testing. Allele origin: germline. Affected: no.

Athena Diagnostics
Classification: Uncertain significance. Last evaluated: 2017-06-02. Review status: criteria provided, single submitter. Criteria: Athena Diagnostics Criteria. Collection method: clinical testing. Allele origin: germline.

Clinical Genomics, Uppaluri K&H Personalized Medicine Clinic
Classification: Uncertain significance for Maturity-onset diabetes of the young. Review status: criteria provided, single submitter. Criteria: K & H Uppaluri Personalized Medicine Clinic Variant Classification & Assertion Criteria_Updated V.1. Collection method: research. Allele origin: unknown. Inheritance: Autosomal dominant inheritance.
Comment: Mutations in HNF1A gene can predispose to MODY3. It is associated with both micro and macrovascular complications of diabetes, especially cardiovascular complications. Associated with glucosuria. May respond well to sulfonylureas. However, more evidence is required to confer the association of this particular variant rs370979090 with MODY3.

Literature cited by the submitters: PubMed 31517624 (cited by Clinical Genomics, Uppaluri K&H Personalized Medicine Clinic); PubMed 32395877 (cited by Clinical Genomics, Uppaluri K&H Personalized Medicine Clinic); PubMed 35328643 (cited by Clinical Genomics, Uppaluri K&H Personalized Medicine Clinic); PubMed 35673428 (cited by Clinical Genomics, Uppaluri K&H Personalized Medicine Clinic).